The following is an entry in ClinVar:

ClinVar aggregate classification (germline): Uncertain significance (1 of 4 stars; one submission).

Allele frequency attached by ClinVar (database versions not stated): gnomAD exomes below 0.00001.
gnomAD v4.1: 2 of 1,613,992 alleles (0.00012%); highest among the groups gnomAD compares: Non-Finnish European, 0.000085%; no homozygotes.

Submission:

GeneDx
Classification: Uncertain significance. Last evaluated: 2017-04-26. Review status: criteria provided, single submitter. Criteria: GeneDx Variant Classification (06012015). Collection method: clinical testing. Allele origin: germline. Affected: yes.
Comment: The Y998C variant in the ATP1A2 gene has not been reported previously as a pathogenic variant, nor as a benign variant, to our knowledge. This variant is not observed in large population cohorts (Lek et al., 2016; 1000 Genomes Consortium et al., 2015; Exome Variant Server). The Y998C variant is a non-conservative amino acid substitution, which is likely to impact secondary protein structure as these residues differ in polarity, charge, size and/or other properties. This substitution occurs at a position that is conserved across species, and in silico analysis predicts this variant is probably damaging to the protein structure/function. Based on currently available evidence, we interpret Y998C as a variant of uncertain significance.

NM_000702.4(ATP1A2):c.2993A>G (p.Tyr998Cys)

Gene: ATP1A2 (ATPase Na+/K+ transporting subunit alpha 2; plus strand). Cytogenetic location: 1q23.2.
Variant type: single nucleotide variant.
Coding change: c.2993A>G on transcript NM_000702.4 (MANE Select); coding-DNA position 2993, A replaced by G.
Protein change: p.Tyr998Cys; replaces tyrosine 998 with cysteine.
Molecular consequence: missense variant.
Genome position (GRCh38, 1-based): chr1:160,139,943, A>G. VCF-style: chr1-160139943-A-G. GRCh37 (hg19) VCF-style: chr1-160109733-A-G.
Other names: short protein forms Y998C.
Identifiers: ClinVar variation 426210 (VCV000426210.2), dbSNP rs1085307501, ClinGen allele CA343256391.